The following is an entry in ClinVar:

NM_000082.4(ERCC8):c.586C>T (p.Pro196Ser)

Gene: ERCC8 (ERCC excision repair 8, CSA ubiquitin ligase complex subunit; minus strand). Cytogenetic location: 5q12.1.
Variant type: single nucleotide variant.
Coding change: c.586C>T on transcript NM_000082.4 (MANE Select); coding-DNA position 586, C replaced by T.
Protein change: p.Pro196Ser; replaces proline 196 with serine.
Molecular consequence: missense variant.
Genome position (GRCh38, 1-based): chr5:60,902,473, G>A on the plus strand (C>T on the coding strand, the complement: ERCC8 is on the minus strand). VCF-style: chr5-60902473-G-A. GRCh37 (hg19) VCF-style: chr5-60198300-G-A.
Other names: c.412C>T, p.Pro138Ser (NM_001007233.3); c.127C>T, p.Pro43Ser (NM_001290285.2); short protein forms P196S, P43S, P138S.
Identifiers: ClinVar variation 1896347 (VCV001896347.2), dbSNP rs1422829779, ClinGen allele CA359825904.

ClinVar aggregate classification (germline): Uncertain significance (1 of 4 stars; one submission).

Allele frequency attached by ClinVar (database versions not stated): gnomAD exomes below 0.00001; TOPMed 0.00002.
gnomAD v4.1: 3 of 1,612,428 alleles (0.00019%); highest among the groups gnomAD compares: African/African-American, 0.004%; no homozygotes.

Submission:

Labcorp Genetics (formerly Invitae), Labcorp
Classification: Uncertain significance. Last evaluated: 2022-02-09. Review status: criteria provided, single submitter. Criteria: Invitae Variant Classification Sherloc (09022015). Collection method: clinical testing. Allele origin: germline.
Comment: This sequence change replaces proline, which is neutral and non-polar, with serine, which is neutral and polar, at codon 196 of the ERCC8 protein (p.Pro196Ser). This variant is present in population databases (no rsID available, gnomAD 0.007%). This variant has not been reported in the literature in individuals affected with ERCC8-related conditions. Algorithms developed to predict the effect of missense changes on protein structure and function (SIFT, PolyPhen-2, Align-GVGD) all suggest that this variant is likely to be disruptive. In summary, the available evidence is currently insufficient to determine the role of this variant in disease. Therefore, it has been classified as a Variant of Uncertain Significance.